The following is an entry in ClinVar:

ClinVar aggregate classification (germline): Uncertain significance (0 of 4 stars; one submission).

Conditions:
AUTS2-related disorder. Also called: AUTS2-related condition.

Submission:

PreventionGenetics, part of Exact Sciences
Classification: Uncertain significance for AUTS2-related condition. Last evaluated: 2024-04-11. Review status: no assertion criteria provided. Collection method: clinical testing. Allele origin: germline.
Comment: The AUTS2 c.535C>A variant is predicted to result in the amino acid substitution p.Gln179Lys. To our knowledge, this variant has not been reported in the literature or in a large population database, indicating this variant is rare. At this time, the clinical significance of this variant is uncertain due to the absence of conclusive functional and genetic evidence.

NM_015570.4(AUTS2):c.535C>A (p.Gln179Lys)

Gene: AUTS2 (activator of transcription and developmental regulator AUTS2; plus strand). Cytogenetic location: 7q11.22.
Variant type: single nucleotide variant.
Coding change: c.535C>A on transcript NM_015570.4 (MANE Select); coding-DNA position 535, C replaced by A.
Protein change: p.Gln179Lys; replaces glutamine 179 with lysine.
Molecular consequence: missense variant.
Genome position (GRCh38, 1-based): chr7:70,118,144, C>A. VCF-style: chr7-70118144-C-A. GRCh37 (hg19) VCF-style: chr7-69583130-C-A.
Other names: c.535C>A, p.Gln179Lys (NM_001127231.3, NM_001127232.3); short protein forms Q179K.
Identifiers: ClinVar variation 3351411 (VCV003351411.1).